The following is an entry in ClinVar:

NM_004484.4(GPC3):c.492T>G (p.Asp164Glu)

Gene: GPC3 (glypican 3; minus strand). Cytogenetic location: Xq26.2.
Variant type: single nucleotide variant.
Coding change: c.492T>G on transcript NM_004484.4 (MANE Select); coding-DNA position 492, T replaced by G.
Protein change: p.Asp164Glu; replaces aspartic acid 164 with glutamic acid.
Molecular consequence: missense variant.
Genome position (GRCh38, 1-based): chrX:133,754,022, A>C on the plus strand (T>G on the coding strand, the complement: GPC3 is on the minus strand). VCF-style: chrX-133754022-A-C. GRCh37 (hg19) VCF-style: chrX-132888049-A-C.
Other names: c.330T>G, p.Asp110Glu (NM_001164619.2); c.492T>G, p.Asp164Glu (NM_001164617.2); c.444T>G, p.Asp148Glu (NM_001164618.2); short protein forms D148E, D164E, D110E.
Identifiers: ClinVar variation 2874611 (VCV002874611.3), dbSNP rs2521357728, ClinGen allele CA414706508.
Genomic context (GRCh38, chrX:133,754,022, plus strand): 5'-GTTCATTAGCTGGGTATAGATGACTGGAAACAGGCTGTCAAACAATTCATTGACCATGTC[A>C]TCTACATTGATGTCAGAACCCAAGATGTAGAGAGACACATCTGTGAAAAATTCACCCACA-3'
Protein context (NP_004475.1, residues 154-174): LYILGSDINV[Asp164Glu]DMVNELFDSL

ClinVar aggregate classification (germline): Uncertain significance (1 of 4 stars; one submission).

Conditions:
Wilms tumor 1 (WT1). Also called: Wilms tumor, somatic. Identifiers: Orphanet 654, MedGen CN033288, MONDO:0008679, OMIM 194070.

Submission:

Labcorp Genetics (formerly Invitae), Labcorp
Classification: Uncertain significance for Wilms tumor 1. Last evaluated: 2023-09-06. Review status: criteria provided, single submitter. Criteria: Invitae Variant Classification Sherloc (09022015). Collection method: clinical testing. Allele origin: germline.
Comment: This sequence change replaces aspartic acid, which is acidic and polar, with glutamic acid, which is acidic and polar, at codon 164 of the GPC3 protein (p.Asp164Glu). This variant is not present in population databases (gnomAD no frequency). This variant has not been reported in the literature in individuals affected with GPC3-related conditions. Advanced modeling of protein sequence and biophysical properties (such as structural, functional, and spatial information, amino acid conservation, physicochemical variation, residue mobility, and thermodynamic stability) performed at Invitae indicates that this missense variant is not expected to disrupt GPC3 protein function. In summary, the available evidence is currently insufficient to determine the role of this variant in disease. Therefore, it has been classified as a Variant of Uncertain Significance.